The following is an entry in ClinVar:

ClinVar aggregate classification (germline): Benign. Review status: criteria provided, multiple submitters, no conflicts (2 of 4 stars). 5 submissions from 4 submitters: Benign (5). Last evaluated 2024-01-24.

Conditions:
Dyskeratosis congenita, autosomal recessive 5 (DKCB5). Identifiers: MedGen C3554656, MONDO:0014076, OMIM 615190.
Pulmonary fibrosis and/or bone marrow failure, Telomere-related, 3. Also called: PULMONARY FIBROSIS AND/OR BONE MARROW FAILURE SYNDROME, TELOMERE-RELATED, 3. Identifiers: Orphanet 2032, MedGen C4225346, MONDO:0014613, OMIM 616373.

Allele frequency attached by ClinVar (database versions not stated): 1000 Genomes Project 30x 0.71674; TOPMed 0.80160; 1000 Genomes Project 0.70847.
gnomAD v4.1: 899,393 of 1,184,554 alleles (76%); highest among the groups gnomAD compares: African/African-American, 93%; 348,156 homozygotes.

Submissions (5):

Unidad de Genómica Garrahan, Hospital de Pediatría Garrahan
Classification: Benign. Last evaluated: 2024-01-24. Review status: criteria provided, single submitter. Criteria: ACMG Guidelines, 2015. Collection method: clinical testing. Allele origin: germline. Affected: no. Observed: 71 variant alleles.
Comment: This variant is classified as Benign based on local population frequency. This variant was detected in 75% of patients studied by a panel of primary immunodeficiencies. Number of patients: 71. Only high quality variants are reported.

Genome-Nilou Lab
Classification: Benign for Dyskeratosis congenita, autosomal recessive 5. Last evaluated: 2021-07-10. Review status: criteria provided, single submitter. Criteria: ACMG Guidelines, 2015. Collection method: clinical testing. Allele origin: germline. Affected: no.

Genome-Nilou Lab
Classification: Benign for Pulmonary fibrosis and/or bone marrow failure, Telomere-related, 3. Last evaluated: 2021-07-10. Review status: criteria provided, single submitter. Criteria: ACMG Guidelines, 2015. Collection method: clinical testing. Allele origin: germline. Affected: no.

GeneDx
Classification: Benign. Last evaluated: 2018-11-12. Review status: criteria provided, single submitter. Criteria: GeneDx Variant Classification Process June 2021. Collection method: clinical testing. Allele origin: germline. Affected: yes.

Breakthrough Genomics
Classification: Benign. Review status: criteria provided, single submitter. Criteria: ACMG Guidelines, 2015. Collection method: not provided. Allele origin: germline. Inheritance: Autosomal recessive inheritance. Affected: yes.

NM_001283009.2(RTEL1):c.2557-89G>C

Genes: RTEL1-TNFRSF6B (RTEL1-TNFRSF6B readthrough (NMD candidate); plus strand), RTEL1 (regulator of telomere elongation helicase 1; plus strand). Cytogenetic location: 20q13.33.
Variant type: single nucleotide variant.
Coding change: c.2557-89G>C on transcript NM_001283009.2 (MANE Select); 89 bases into the intron before coding-DNA position 2557, G replaced by C.
Molecular consequence: intron variant.
Genome position (GRCh38, 1-based): chr20:63,691,653, G>C. VCF-style: chr20-63691653-G-C. GRCh37 (hg19) VCF-style: chr20-62323006-G-C.
Other names: c.1888-89G>C (NM_001283010.1); c.2629-89G>C (NM_032957.5); c.2557-89G>C (NM_016434.4).
Identifiers: ClinVar variation 1184769 (VCV001184769.7), dbSNP rs2236507, ClinGen allele CA14782132.